The following is an entry in ClinVar:

ClinVar aggregate classification (germline): Conflicting classifications of pathogenicity. Review status: criteria provided, conflicting classifications (1 of 4 stars). 2 submissions from 2 submitters: Likely pathogenic (1); Uncertain significance (1). Last evaluated 2025-08-15.

Conditions:
Familial adenomatous polyposis 2. Also called: FAP type 2; MUTYH Polyposis; COLORECTAL ADENOMATOUS POLYPOSIS, AUTOSOMAL RECESSIVE; ADENOMAS, MULTIPLE COLORECTAL, AUTOSOMAL RECESSIVE; MUTYH-associated polyposis; MUTYH-related attenuated familial adenomatous polyposis. Identifiers: Orphanet 220460, Orphanet 247798, MedGen C3272841, MONDO:0012041, OMIM 608456.
Hereditary cancer-predisposing syndrome. Also called: Tumor predisposition; Hereditary Cancer Syndrome; Hereditary neoplastic syndrome; Neoplastic Syndromes, Hereditary. Identifiers: Orphanet 140162, MedGen C0027672, MeSH D009386, MONDO:0015356.

Allele frequency attached by ClinVar (database versions not stated): gnomAD below 0.00001 and 0.00001; gnomAD exomes below 0.00001.
gnomAD v4.1: 2 of 1,614,026 alleles (0.00012%); highest among the groups gnomAD compares: South Asian, 0.0022%; no homozygotes.

Submissions (2):

Ambry Genetics
Classification: Likely pathogenic for Hereditary cancer-predisposing syndrome. Last evaluated: 2025-08-15. Review status: criteria provided, single submitter. Criteria: Ambry Variant Classification Scheme 2023. Collection method: clinical testing. Allele origin: germline.
Comment: The p.Y456C variant (also known as c.1367A>G), located in coding exon 14 of the MUTYH gene, results from an A to G substitution at nucleotide position 1367. The tyrosine at codon 456 is replaced by cysteine, an amino acid with highly dissimilar properties. In a massively parallel cell-based functional assay testing 7,8-dihydro-8-oxoguanine:adenine (8OG:A) repair activity, a byproduct of oxidative damage, this variant was reported to be non-functional (Hemker SL et al. Am J Hum Genet. Published online July 29, 2025. DOI: 10.1016/j.ajhg.2025.07.005). This amino acid position is well conserved in available vertebrate species. In addition, this alteration is predicted to be deleterious by in silico analysis. This variant is considered to be rare based on population cohorts in the Genome Aggregation Database (gnomAD). Based on the majority of available evidence to date, this variant is likely to be pathogenic.

All of Us Research Program, National Institutes of Health
Classification: Uncertain significance for Familial adenomatous polyposis 2. Last evaluated: 2023-03-28. Review status: criteria provided, single submitter. Criteria: ACMG Guidelines, 2015. Collection method: clinical testing. Allele origin: germline. Inheritance: Autosomal recessive inheritance. Observed: 1 variant allele, 1 heterozygote.
Comment: This study involves interpretation of variants in research participants for the purpose of population health screening. Participant phenotype was not available at the time of variant classification. Additional details can be found in publication PMID: 35346344, PMCID: PMC8962531

Literature cited by the submitters: PubMed 40738107 (cited by Ambry Genetics).

NM_001048174.2(MUTYH):c.1283A>G (p.Tyr428Cys)

Gene: MUTYH (mutY DNA glycosylase; minus strand). Cytogenetic location: 1p34.1.
Variant type: single nucleotide variant.
Coding change: c.1283A>G on transcript NM_001048174.2 (MANE Select); coding-DNA position 1283, A replaced by G.
Protein change: p.Tyr428Cys; replaces tyrosine 428 with cysteine.
Molecular consequence: missense variant. On other transcripts: non-coding transcript variant (2).
Genome position (GRCh38, 1-based): chr1:45,331,291, T>C on the plus strand (A>G on the coding strand, the complement: MUTYH is on the minus strand). VCF-style: chr1-45331291-T-C. GRCh37 (hg19) VCF-style: chr1-45796963-T-C.
Other names: c.1328A>G, p.Tyr443Cys (NM_001293190.2); c.1316A>G, p.Tyr439Cys (NM_001293191.2); c.1007A>G, p.Tyr336Cys (NM_001293192.2, NM_001293196.2); c.1283A>G, p.Tyr428Cys (NM_001293195.2, NM_001048171.2, NM_001048173.2); c.938A>G, p.Tyr313Cys (NM_001350650.2, NM_001350651.2); c.1358A>G, p.Tyr453Cys (NM_012222.3); c.1286A>G, p.Tyr429Cys (NM_001048172.2); c.1367A>G, p.Tyr456Cys (NM_001128425.2); short protein forms Y428C, Y336C, Y439C, Y453C, Y456C, Y313C, Y429C, Y443C.
Identifiers: ClinVar variation 819017 (VCV000819017.6), dbSNP rs1399651154, ClinGen allele CA340132718.
Genomic context (GRCh38, chr1:45,331,291, plus strand): 5'-AGCCAGCGAGCACCTGGTGGTACGGTGGTCACTGGGGTCTGCCCTTCCAAGGCCAGCCCA[T>C]ATACTTGATATGTCAGCTTGATGTGAGAGAAGGTGTGGACAACCTGGAGGAAGGGTCAAG-3'
Protein context (NP_001041639.1, residues 418-438): FSHIKLTYQV[Tyr428Cys]GLALEGQTPV